The following is an entry in ClinVar:

NM_001184.4(ATR):c.5786_5787insCTAGAAAG (p.Arg1929delinsSerTer)

Gene: ATR (ATR checkpoint kinase; minus strand). Cytogenetic location: 3q23.
Variant type: Insertion.
Coding change: c.5786_5787insCTAGAAAG on transcript NM_001184.4 (MANE Select); coding-DNA positions 5786 to 5787, CTAGAAAG inserted.
Protein change: p.Arg1929delinsSerTer.
Molecular consequence: nonsense.
Genome position: GRCh38 VCF-style: chr3-142496472-C-CCTTTCTAG. GRCh37 (hg19) VCF-style: chr3-142215314-C-CCTTTCTAG.
Other names: c.5594_5595insCTAGAAAG, p.Arg1865delinsSerTer (NM_001354579.2).
Identifiers: ClinVar variation 1378337 (VCV001378337.6), dbSNP rs2108333799, ClinGen allele CA2573136668.

ClinVar aggregate classification (germline): Pathogenic (1 of 4 stars; one submission).

Submission:

Labcorp Genetics (formerly Invitae), Labcorp
Classification: Pathogenic. Last evaluated: 2021-09-23. Review status: criteria provided, single submitter. Criteria: Invitae Variant Classification Sherloc (09022015). Collection method: clinical testing. Allele origin: germline.
Comment: This sequence change creates a premature translational stop signal (p.Arg1929Serfs*2) in the ATR gene. It is expected to result in an absent or disrupted protein product. Loss-of-function variants in ATR are known to be pathogenic (PMID: 21228398, 23144622). This variant is not present in population databases (ExAC no frequency). This variant has not been reported in the literature in individuals affected with ATR-related conditions. For these reasons, this variant has been classified as Pathogenic.

Literature cited by the submitters: PubMed 21228398; PubMed 23144622.